The following is an entry in ClinVar:

NM_001972.4(ELANE):c.397G>T (p.Val133Leu)

Gene: ELANE (elastase, neutrophil expressed; plus strand). Cytogenetic location: 19p13.3.
Variant type: single nucleotide variant.
Coding change: c.397G>T on transcript NM_001972.4 (MANE Select); coding-DNA position 397, G replaced by T.
Protein change: p.Val133Leu; replaces valine 133 with leucine.
Molecular consequence: missense variant.
Genome position (GRCh38, 1-based): chr19:855,594, G>T. VCF-style: chr19-855594-G-T. GRCh37 (hg19) VCF-style: chr19-855594-G-T.
Other names: short protein forms V133L.
Identifiers: ClinVar variation 3844312 (VCV003844312.1).

ClinVar aggregate classification (germline): Uncertain significance (1 of 4 stars; one submission).

Conditions:
Inborn genetic diseases. Identifiers: MedGen C0950123, MeSH D030342.

Submission:

Ambry Genetics
Classification: Uncertain significance for Inborn genetic diseases. Last evaluated: 2025-02-03. Review status: criteria provided, single submitter. Criteria: Ambry Variant Classification Scheme 2023. Collection method: clinical testing. Allele origin: germline.
Comment: The p.V133L variant (also known as c.397G>T), located in coding exon 4 of the ELANE gene, results from a G to T substitution at nucleotide position 397. The valine at codon 133 is replaced by leucine, an amino acid with highly similar properties. This amino acid position is conserved. In addition, the in silico prediction for this alteration is inconclusive. Based on the available evidence, the clinical significance of this variant remains unclear.